The following is an entry in ClinVar:

NM_001389.5(DSCAM):c.5290C>T (p.Leu1764Phe)

Gene: DSCAM (DS cell adhesion molecule; minus strand). Cytogenetic location: 21q22.2.
Variant type: single nucleotide variant.
Coding change: c.5290C>T on transcript NM_001389.5 (MANE Select); coding-DNA position 5290, C replaced by T.
Protein change: p.Leu1764Phe; replaces leucine 1764 with phenylalanine.
Molecular consequence: missense variant. On other transcripts: non-coding transcript variant (1).
Genome position (GRCh38, 1-based): chr21:40,044,171, G>A on the plus strand (C>T on the coding strand, the complement: DSCAM is on the minus strand). VCF-style: chr21-40044171-G-A. GRCh37 (hg19) VCF-style: chr21-41416098-G-A.
Other names: c.5290C>T, p.Leu1764Phe (NM_001271534.3); c.*383C>T (NM_206887.1); short protein forms L1764F.
Identifiers: ClinVar variation 2482944 (VCV002482944.4), dbSNP rs1474307878, ClinGen allele CA410302632.
Genomic context (GRCh38, chr21:40,044,171, plus strand): 5'-CGCTCTCTTTGTCTACTGATCCTGCAGCCCTGGGTGTTGGCAGCCTCCAGTCTGTGGTGA[G>A]GGTGTGTGCTGAGATGGTGGGGTGGGGTCGGTTGAGGGTCCACTGGCTGGCATAGCGGTT-3'
Protein context (NP_001380.2, residues 1754-1774): RPHPTISAHT[Leu1764Phe]TTDWRLPTPR

ClinVar aggregate classification (germline): Uncertain significance (1 of 4 stars; one submission).

Conditions:
Inborn genetic diseases. Identifiers: MedGen C0950123, MeSH D030342.

Allele frequency attached by ClinVar (database versions not stated): TOPMed below 0.00001.
gnomAD v4.1: 6 of 1,614,186 alleles (0.00037%); highest among the groups gnomAD compares: Admixed American, 0.0017%; no homozygotes.

Submission:

Ambry Genetics
Classification: Uncertain significance for Inborn genetic diseases. Last evaluated: 2025-06-05. Review status: criteria provided, single submitter. Criteria: Ambry Variant Classification Scheme 2023. Collection method: clinical testing. Allele origin: germline.
Comment: The c.5290C>T (p.L1764F) alteration is located in exon 31 (coding exon 31) of the DSCAM gene. This alteration results from a C to T substitution at nucleotide position 5290, causing the leucine (L) at amino acid position 1764 to be replaced by a phenylalanine (F). Based on data from gnomAD, the T allele has an overall frequency of <0.001% (1/249612) total alleles studied. The highest observed frequency was 0.003% (1/34528) of Latino alleles. This amino acid position is highly conserved in available vertebrate species. The in silico prediction for this alteration is inconclusive. Based on insufficient or conflicting evidence, the clinical significance of this alteration remains unclear.